The following is an entry in ClinVar:

ClinVar aggregate classification (germline): Uncertain significance (1 of 4 stars; one submission).

Allele frequency attached by ClinVar (database versions not stated): ExAC 0.00001.
gnomAD v4.1: 1 of 1,613,586 alleles (0.000062%); highest among the groups gnomAD compares: Non-Finnish European, 0.000085%; no homozygotes.

Submission:

Labcorp Genetics (formerly Invitae), Labcorp
Classification: Uncertain significance. Last evaluated: 2022-08-07. Review status: criteria provided, single submitter. Criteria: Invitae Variant Classification Sherloc (09022015). Collection method: clinical testing. Allele origin: germline.
Comment: This variant has not been reported in the literature in individuals affected with CIB2-related conditions. Algorithms developed to predict the effect of missense changes on protein structure and function are either unavailable or do not agree on the potential impact of this missense change (SIFT: "Not Available"; PolyPhen-2: "Benign"; Align-GVGD: "Not Available"). In summary, the available evidence is currently insufficient to determine the role of this variant in disease. Therefore, it has been classified as a Variant of Uncertain Significance. This variant is present in population databases (rs768703133, gnomAD 0.0009%). This sequence change replaces asparagine, which is neutral and polar, with threonine, which is neutral and polar, at codon 89 of the CIB2 protein (p.Asn89Thr).

NM_006383.4(CIB2):c.266A>C (p.Asn89Thr)

Gene: CIB2 (calcium and integrin binding family member 2; minus strand). Cytogenetic location: 15q25.1.
Variant type: single nucleotide variant.
Coding change: c.266A>C on transcript NM_006383.4 (MANE Select); coding-DNA position 266, A replaced by C.
Protein change: p.Asn89Thr; replaces asparagine 89 with threonine.
Molecular consequence: missense variant. On other transcripts: non-coding transcript variant (1).
Genome position (GRCh38, 1-based): chr15:78,109,315, T>G on the plus strand (A>C on the coding strand, the complement: CIB2 is on the minus strand). VCF-style: chr15-78109315-T-G. GRCh37 (hg19) VCF-style: chr15-78401657-T-G.
Other names: c.137A>C, p.Asn46Thr (NM_001271888.2); c.119A>C, p.Asn40Thr (NM_001271889.2); c.281A>C, p.Asn94Thr (NM_001301224.2); short protein forms N40T, N94T, N46T, N89T.
Identifiers: ClinVar variation 2016509 (VCV002016509.4), dbSNP rs768703133, ClinGen allele CA7680253.